The following is an entry in ClinVar:

ClinVar aggregate classification (germline): Likely pathogenic (1 of 4 stars; one submission).

Submission:

GeneDx
Classification: Likely pathogenic. Last evaluated: 2016-08-01. Review status: criteria provided, single submitter. Criteria: GeneDx Variant Classification (06012015). Collection method: clinical testing. Allele origin: germline. Affected: yes.
Comment: The A182D variant in the DNM1 gene has not been reported previously as a pathogenic variant, nor as a benign variant, to our knowledge. The A182D variant was not observed in approximately 6500 individuals of European and African American ancestry in the NHLBI Exome Sequencing Project, indicating it is not a common benign variant in these populations. The A182D variant is a non-conservative amino acid substitution, which is likely to impact secondary protein structure as these residues differ in polarity, charge, size and/or other properties. This substitution occurs at a position that is conserved across species and in silico analysis predicts this variant is probably damaging to the protein structure/function. The A182D variant is a strong candidate for a pathogenic variant.

NM_004408.4(DNM1):c.545C>A (p.Ala182Asp)

Genes: DNM1 (dynamin 1; plus strand), LOC113839516 (Sharpr-MPRA regulatory region 8497; plus strand). Cytogenetic location: 9q34.11.
Variant type: single nucleotide variant.
Coding change: c.545C>A on transcript NM_004408.4 (MANE Select); coding-DNA position 545, C replaced by A.
Protein change: p.Ala182Asp; replaces alanine 182 with aspartic acid.
Molecular consequence: missense variant.
Genome position (GRCh38, 1-based): chr9:128,219,208, C>A. VCF-style: chr9-128219208-C-A. GRCh37 (hg19) VCF-style: chr9-130981487-C-A.
Other names: c.545C>A, p.Ala182Asp (NM_001005336.3, NM_001288737.2, NM_001288738.2 and 1 more transcripts); short protein forms A182D.
Identifiers: ClinVar variation 421787 (VCV000421787.2), dbSNP rs1064795360, ClinGen allele CA16618752.